The following is an entry in ClinVar:

ClinVar aggregate classification (germline): Uncertain significance. Review status: criteria provided, multiple submitters, no conflicts (2 of 4 stars). 2 submissions from 2 submitters: Uncertain significance (2). Last evaluated 2024-02-17.

Conditions:
Familial cold autoinflammatory syndrome 2 (FCAS2). Identifiers: Orphanet 247868, MedGen C2673198, MONDO:0012724, OMIM 611762.

Allele frequency attached by ClinVar (database versions not stated): gnomAD exomes 0.00001 and 0.00002; ExAC 0.00002; gnomAD 0.00003; TOPMed 0.00004.
gnomAD v4.1: 40 of 1,613,930 alleles (0.0025%); highest among the groups gnomAD compares: Non-Finnish European, 0.0033%; no homozygotes.

Submissions (2):

Labcorp Genetics (formerly Invitae), Labcorp
Classification: Uncertain significance for Familial cold autoinflammatory syndrome 2. Last evaluated: 2024-02-17. Review status: criteria provided, single submitter. Criteria: Invitae Variant Classification Sherloc (09022015). Collection method: clinical testing. Allele origin: germline.
Comment: This sequence change creates a premature translational stop signal (p.Arg1051*) in the NLRP12 gene. While this is not anticipated to result in nonsense mediated decay, it is expected to disrupt the last 11 amino acid(s) of the NLRP12 protein. This variant is present in population databases (rs199475871, gnomAD 0.005%). This variant has not been reported in the literature in individuals affected with NLRP12-related conditions. ClinVar contains an entry for this variant (Variation ID: 489269). Algorithms developed to predict the effect of sequence changes on RNA splicing suggest that this variant may disrupt the consensus splice site. In summary, the available evidence is currently insufficient to determine the role of this variant in disease. Therefore, it has been classified as a Variant of Uncertain Significance.

GeneDx
Classification: Uncertain significance. Last evaluated: 2017-12-21. Review status: criteria provided, single submitter. Criteria: GeneDx Variant Classification (06012015). Collection method: clinical testing. Allele origin: germline. Affected: yes.
Comment: The R1051X variant in the NLRP12 gene has not been reported previously as a pathogenic variant nor as a benign variant, to our knowledge. This variant is predicted to cause loss of normal protein function through protein truncation. The R1051X variant is observed in 6/126712 (0.005%) alleles from individuals of non-Finnish European background and 7/277204 (0.003%) total alleles in large population cohorts, and no individuals were reported to be homozygous (Lek et al., 2016). We interpret R1051X as a variant of uncertain significance.

NM_144687.4(NLRP12):c.3151C>T (p.Arg1051Ter)

Gene: NLRP12 (NLR family pyrin domain containing 12; minus strand). Cytogenetic location: 19q13.42.
Variant type: single nucleotide variant.
Coding change: c.3151C>T on transcript NM_144687.4 (MANE Select); coding-DNA position 3151, C replaced by T.
Protein change: p.Arg1051Ter; replaces arginine 1051 with a stop codon.
Molecular consequence: nonsense.
Genome position (GRCh38, 1-based): chr19:53,794,084, G>A on the plus strand (C>T on the coding strand, the complement: NLRP12 is on the minus strand). VCF-style: chr19-53794084-G-A. GRCh37 (hg19) VCF-style: chr19-54297338-G-A.
Other names: c.3154C>T, p.Arg1052Ter (NM_001277126.2); c.2980C>T, p.Arg994Ter (NM_001277129.1); short protein forms R1051*, R1052*, R994*.
Identifiers: ClinVar variation 489269 (VCV000489269.7), dbSNP rs199475871, ClinGen allele CA9638748.
Genomic context (GRCh38, chr19:53,794,084, plus strand): 5'-GGGGAGAGCCAGCAGATAGGACCATTCAGCAGCCAATGTCCAAATAAGGTTTTGTTACTC[G>A]AAGCGCTGCCAACCTACTGTGGGTCATTTTATTCAGGTCCATCCCAAATAACCTGTGGAC-3'